The following is an entry in ClinVar:

ClinVar aggregate classification (germline): Uncertain significance (1 of 4 stars; one submission).

Submission:

GeneDx
Classification: Uncertain significance. Last evaluated: 2024-06-24. Review status: criteria provided, single submitter. Criteria: GeneDx Variant Classification Process June 2021. Collection method: clinical testing. Allele origin: germline. Affected: yes.
Comment: Not observed at significant frequency in large population cohorts (gnomAD); In silico analysis supports that this missense variant has a deleterious effect on protein structure/function; Has not been previously published as pathogenic or benign to our knowledge

NM_005251.3(FOXC2):c.426G>T (p.Lys142Asn)

Genes: FOXC2 (forkhead box C2; plus strand), FOXC2-AS1 (FOXC2 antisense RNA 1; minus strand). Cytogenetic location: 16q24.1.
Variant type: single nucleotide variant.
Coding change: c.426G>T on transcript NM_005251.3 (MANE Select); coding-DNA position 426, G replaced by T.
Protein change: p.Lys142Asn; replaces lysine 142 with asparagine.
Molecular consequence: missense variant. On other transcripts: non-coding transcript variant (1).
Genome position (GRCh38, 1-based): chr16:86,567,761, G>T. VCF-style: chr16-86567761-G-T. GRCh37 (hg19) VCF-style: chr16-86601367-G-T.
Other names: short protein forms K142N.
Identifiers: ClinVar variation 3392723 (VCV003392723.1).